The following is an entry in ClinVar:

ClinVar aggregate classification (germline): Uncertain significance. Review status: criteria provided, multiple submitters, no conflicts (2 of 4 stars). 2 submissions from 2 submitters: Uncertain significance (2). Last evaluated 2025-12-16.

Conditions:
Inborn genetic diseases. Identifiers: MedGen C0950123, MeSH D030342.

Allele frequency attached by ClinVar (database versions not stated): gnomAD exomes below 0.00001; ExAC 0.00001.

Submissions (2):

Ambry Genetics
Classification: Uncertain significance for Inborn genetic diseases. Last evaluated: 2025-12-16. Review status: criteria provided, single submitter. Criteria: Ambry Variant Classification Scheme 2023. Collection method: clinical testing. Allele origin: germline.

GeneDx
Classification: Uncertain significance. Last evaluated: 2022-08-04. Review status: criteria provided, single submitter. Criteria: GeneDx Variant Classification Process June 2021. Collection method: clinical testing. Allele origin: germline. Affected: yes.
Comment: Not observed at significant frequency in large population cohorts (gnomAD); In silico analysis supports that this missense variant does not alter protein structure/function; Has not been previously published as pathogenic or benign to our knowledge

NM_052844.4(DYNC2I2):c.274C>T (p.Pro92Ser)

Gene: DYNC2I2 (dynein 2 intermediate chain 2; minus strand). Cytogenetic location: 9q34.11.
Variant type: single nucleotide variant.
Coding change: c.274C>T on transcript NM_052844.4 (MANE Select); coding-DNA position 274, C replaced by T.
Protein change: p.Pro92Ser; replaces proline 92 with serine.
Molecular consequence: missense variant.
Genome position (GRCh38, 1-based): chr9:128,640,852, G>A on the plus strand (C>T on the coding strand, the complement: DYNC2I2 is on the minus strand). VCF-style: chr9-128640852-G-A. GRCh37 (hg19) VCF-style: chr9-131403131-G-A.
Other names: short protein forms P92S.
Identifiers: ClinVar variation 2428802 (VCV002428802.4), dbSNP rs776908367, ClinGen allele CA5266677.
Genomic context (GRCh38, chr9:128,640,852, plus strand): 5'-GAAAGGCTGCGAGCCTGGGTATGTCATACTGGGACGGGGGCTGCACGCTGACAGGCACGG[G>A]GGCCTCCGTCTGCACCTGGGCGTCCACATGATTCCTGGCCTGGGCGGATGCACTGGCAGT-3'
Protein context (NP_443076.2, residues 82-102): HVDAQVQTEA[Pro92Ser]VPVSVQPPSQ